The following is an entry in ClinVar:

NM_003072.5(SMARCA4):c.3951+1G>A

Gene: SMARCA4 (SWI/SNF related BAF chromatin remodeling complex subunit ATPase 4; plus strand). Cytogenetic location: 19p13.2.
Variant type: single nucleotide variant.
Coding change: c.3951+1G>A on transcript NM_003072.5 (MANE Select); the canonical splice donor site of the intron after coding-DNA position 3951, G replaced by A.
Molecular consequence: splice donor variant.
Genome position (GRCh38, 1-based): chr19:11,034,201, G>A. VCF-style: chr19-11034201-G-A. GRCh37 (hg19) VCF-style: chr19-11144877-G-A.
Other names: c.3951+1G>A (NM_001128844.3, NM_001128849.3, NM_001387283.1); c.3852+1G>A (NM_001128847.4, NM_001411150.1, NM_001374457.1 and 3 more transcripts).
Identifiers: ClinVar variation 449712 (VCV000449712.3), dbSNP rs1555785054, ClinGen allele CA404067967.

ClinVar aggregate classification (germline): Conflicting classifications of pathogenicity. Review status: criteria provided, conflicting classifications (1 of 4 stars). 2 submissions from 2 submitters: Likely pathogenic (1); Uncertain significance (1). Last evaluated 2026-08-17.

Conditions:
Hereditary cancer-predisposing syndrome. Also called: Neoplastic Syndromes, Hereditary; Hereditary neoplastic syndrome; Hereditary Cancer Syndrome; Tumor predisposition. Identifiers: Orphanet 140162, MedGen C0027672, MeSH D009386, MONDO:0015356.

Submissions (2):

Ambry Genetics
Classification: Uncertain significance for Hereditary cancer-predisposing syndrome. Last evaluated: 2026-08-17. Review status: criteria provided, single submitter. Criteria: Ambry Variant Classification Scheme 2023. Collection method: clinical testing. Allele origin: germline.
Comment: The c.3951+1G>A intronic variant results from a G to A substitution one nucleotide after coding exon 27 of the SMARCA4 gene. Variants that disrupt the canonical splice site are expected to result in aberrant splicing. In silico splice site analysis predicts that this alteration will weaken the native splice donor site. A resulting transcript is predicted to be in-frame and is not expected to trigger nonsense-mediated mRNA decay; although, direct evidence is insufficient at this time. Based on the available evidence, the clinical significance of this variant remains unclear.

GeneDx
Classification: Likely pathogenic. Last evaluated: 2017-05-19. Review status: criteria provided, single submitter. Criteria: GeneDx Variant Classification (06012015). Collection method: clinical testing. Allele origin: germline. Affected: yes.
Comment: This variant is denoted SMARCA4 c.3951+1G>A or IVS28+1G>A and consists of a G>A nucleotidesubstitution at the +1 position of intron 28 of the SMARCA4 gene. This variant destroys a canonical splice donor siteand is predicted to cause abnormal gene splicing, leading to in-frame skipping of exon 28. Based on currently available information, we consider this to be a likelypathogenic variant.